The following is an entry in ClinVar:

ClinVar aggregate classification (germline): Conflicting classifications of pathogenicity. Review status: criteria provided, conflicting classifications (1 of 4 stars). 5 submissions from 5 submitters: Uncertain significance (3); Likely benign (2). Last evaluated 2026-01-26.

Conditions:
Inborn genetic diseases. Identifiers: MedGen C0950123, MeSH D030342.

Allele frequency attached by ClinVar (database versions not stated): 1000 Genomes Project 30x 0.00031; gnomAD 0.00008 and 0.00010; gnomAD exomes 0.00013 and 0.00021; TOPMed 0.00014; ESP Exome Variant Server 0.00015; 1000 Genomes Project 0.00020; ExAC 0.00026.
gnomAD v4.1: 214 of 1,604,894 alleles (0.013%); highest among the groups gnomAD compares: Middle Eastern, 0.47%; no homozygotes.

Submissions (5):

Labcorp Genetics (formerly Invitae), Labcorp
Classification: Likely benign. Last evaluated: 2026-01-26. Review status: criteria provided, single submitter. Criteria: Invitae Variant Classification Sherloc (09022015). Collection method: clinical testing. Allele origin: germline.

Mayo Clinic Laboratories, Mayo Clinic
Classification: Uncertain significance. Last evaluated: 2024-10-04. Review status: criteria provided, single submitter. Criteria: ACMG Guidelines, 2015. Collection method: clinical testing. Allele origin: germline. Observed: 5 variant alleles.
Comment: BS1

Ambry Genetics
Classification: Uncertain significance for Inborn genetic diseases. Last evaluated: 2024-09-20. Review status: criteria provided, single submitter. Criteria: Ambry Variant Classification Scheme 2023. Collection method: clinical testing. Allele origin: germline.

GeneDx
Classification: Likely benign. Last evaluated: 2020-09-23. Review status: criteria provided, single submitter. Criteria: GeneDx Variant Classification Process June 2021. Collection method: clinical testing. Allele origin: germline. Affected: yes.

CeGaT Center for Human Genetics Tuebingen
Classification: Uncertain significance. Last evaluated: 2018-12-01. Review status: criteria provided, single submitter. Criteria: CeGaT Center For Human Genetics Tuebingen Variant Classification Criteria Version 2. Collection method: clinical testing. Allele origin: germline. Affected: yes. Observed: 1 variant allele.

NM_001365999.1(SZT2):c.5377G>A (p.Glu1793Lys)

Gene: SZT2 (SZT2 subunit of KICSTOR complex; plus strand). Cytogenetic location: 1p34.2.
Variant type: single nucleotide variant.
Coding change: c.5377G>A on transcript NM_001365999.1 (MANE Select); coding-DNA position 5377, G replaced by A.
Protein change: p.Glu1793Lys; replaces glutamic acid 1793 with lysine.
Molecular consequence: missense variant.
Genome position (GRCh38, 1-based): chr1:43,432,374, G>A. VCF-style: chr1-43432374-G-A. GRCh37 (hg19) VCF-style: chr1-43898045-G-A.
Other names: c.5206G>A, p.Glu1736Lys (NM_015284.4); short protein forms E1736K, E1793K.
Identifiers: ClinVar variation 411946 (VCV000411946.63), dbSNP rs143185010, ClinGen allele CA809554.